The following is an entry in ClinVar:

ClinVar aggregate classification (germline): Uncertain significance (1 of 4 stars; one submission).

gnomAD v4.1: 3 of 1,614,104 alleles (0.00019%); highest among the groups gnomAD compares: South Asian, 0.0033%; no homozygotes.

Submission:

Labcorp Genetics (formerly Invitae), Labcorp
Classification: Uncertain significance. Last evaluated: 2025-10-22. Review status: criteria provided, single submitter. Criteria: Invitae Variant Classification Sherloc (09022015). Collection method: clinical testing. Allele origin: germline.
Comment: This sequence change replaces serine, which is neutral and polar, with proline, which is neutral and non-polar, at codon 866 of the ERBIN protein (p.Ser866Pro). This variant is present in population databases (no rsID available, gnomAD 0.003%). This variant has not been reported in the literature in individuals affected with ERBIN-related conditions. An algorithm developed to predict the effect of missense changes on protein structure and function outputs the following: PolyPhen-2: "Benign". The proline amino acid residue is found in multiple mammalian species, which suggests that this missense change does not adversely affect protein function. In summary, the available evidence is currently insufficient to determine the role of this variant in disease. Therefore, it has been classified as a Variant of Uncertain Significance.

NM_001253697.2(ERBIN):c.2596T>C (p.Ser866Pro)

Gene: ERBIN (erbb2 interacting protein; plus strand). Cytogenetic location: 5q12.3.
Variant type: single nucleotide variant.
Coding change: c.2596T>C on transcript NM_001253697.2 (MANE Select); coding-DNA position 2596, T replaced by C.
Protein change: p.Ser866Pro; replaces serine 866 with proline.
Molecular consequence: missense variant.
Genome position (GRCh38, 1-based): chr5:66,053,914, T>C. VCF-style: chr5-66053914-T-C. GRCh37 (hg19) VCF-style: chr5-65349742-T-C.
Other names: c.2596T>C, p.Ser866Pro (NM_001006600.3, NM_001253698.2, NM_001253699.2 and 1 more transcripts); c.2584T>C, p.Ser862Pro (NM_001253701.2); short protein forms S862P, S866P.
Identifiers: ClinVar variation 4768086 (VCV004768086.1).